The following is an entry in ClinVar:

NM_004629.2(FANCG):c.1504G>C (p.Gly502Arg)

Gene: FANCG (FA complementation group G; minus strand). Cytogenetic location: 9p13.3.
Variant type: single nucleotide variant.
Coding change: c.1504G>C on transcript NM_004629.2 (MANE Select); coding-DNA position 1504, G replaced by C.
Protein change: p.Gly502Arg; replaces glycine 502 with arginine.
Molecular consequence: missense variant.
Genome position (GRCh38, 1-based): chr9:35,075,059, C>G on the plus strand (G>C on the coding strand, the complement: FANCG is on the minus strand). VCF-style: chr9-35075059-C-G. GRCh37 (hg19) VCF-style: chr9-35075056-C-G.
Other names: short protein forms G502R.
Identifiers: ClinVar variation 5036525 (VCV005036525.1).

ClinVar aggregate classification (germline): Uncertain significance (1 of 4 stars; one submission).

Conditions:
Inborn genetic diseases. Identifiers: MedGen C0950123, MeSH D030342.

Submission:

Ambry Genetics
Classification: Uncertain significance for Inborn genetic diseases. Last evaluated: 2026-08-08. Review status: criteria provided, single submitter. Criteria: Ambry Variant Classification Scheme 2023. Collection method: clinical testing. Allele origin: germline.
Comment: The p.G502R variant (also known as c.1504G>C), located in coding exon 12 of the FANCG gene, results from a G to C substitution at nucleotide position 1504. The glycine at codon 502 is replaced by arginine, an amino acid with dissimilar properties. This amino acid position is conserved. In addition, this alteration is predicted to be tolerated by in silico analysis. Based on the available evidence, the clinical significance of this variant remains unclear.